The following is an entry in ClinVar:

ClinVar aggregate classification (germline): Uncertain significance (1 of 4 stars; one submission).

Submission:

GeneDx
Classification: Uncertain significance. Last evaluated: 2024-03-06. Review status: criteria provided, single submitter. Criteria: GeneDx Variant Classification Process June 2021. Collection method: clinical testing. Allele origin: germline. Affected: yes.
Comment: In silico analysis supports that this missense variant has a deleterious effect on protein structure/function; Has not been previously published as pathogenic or benign to our knowledge

NM_001080517.3(SETD5):c.568A>G (p.Asn190Asp)

Gene: SETD5 (SET domain containing 5; plus strand). Cytogenetic location: 3p25.3.
Variant type: single nucleotide variant.
Coding change: c.568A>G on transcript NM_001080517.3 (MANE Select); coding-DNA position 568, A replaced by G.
Protein change: p.Asn190Asp; replaces asparagine 190 with aspartic acid.
Molecular consequence: missense variant.
Genome position (GRCh38, 1-based): chr3:9,440,456, A>G. VCF-style: chr3-9440456-A-G. GRCh37 (hg19) VCF-style: chr3-9482140-A-G.
Other names: c.274A>G, p.Asn92Asp (NM_001292043.2, NM_001349451.2); short protein forms N190D, N92D.
Identifiers: ClinVar variation 3370566 (VCV003370566.1).
Genomic context (GRCh38, chr3:9,440,456, plus strand): 5'-ATTCCCAACCCTCTATTTATGCATGGACTTTACTAACCTCCCTGAATTTGTTTTCTACAG[A>G]ATTCTCCCTCTGAAGCACAGAATTTAGATGAGAATACAACTGAGGGCTGGGAAAATCGGA-3'
Protein context (NP_001073986.1, residues 180-200): RAAPKTKKIK[Asn190Asp]SPSEAQNLDE